The following is an entry in ClinVar:

NM_005321.3(H1-4):c.433dup (p.Ala145fs)

Gene: H1-4 (H1.4 linker histone, cluster member; plus strand). Cytogenetic location: 6p22.2.
Variant type: Duplication.
Coding change: c.433dup on transcript NM_005321.3 (MANE Select); coding-DNA position 433, one base duplicated (G; older notation c.433dupG).
Protein change: p.Ala145fs; shifts the reading frame from alanine 145.
Molecular consequence: frameshift variant.
Genome position (GRCh38, 1-based): chr6:26,156,823, G duplicated; the last of 2 consecutive G bases (chr6:26,156,822-26,156,823); duplicating either gives the same sequence. VCF-style (leftmost placement, unchanged base first): chr6-26156821-C-CG. GRCh37 (hg19) VCF-style: chr6-26157049-C-CG.
Other names: c.433dupG (NM_005321.2); short protein forms A145fs.
Identifiers: ClinVar variation 503824 (VCV000503824.24), dbSNP rs1554162872, ClinGen allele CA658796726.
Genomic context (GRCh38, chr6:26,156,821, plus strand): 5'-GCGCGGCCAAGGCCAAGAAGCCAGCAGGAGCGGCGAAGAAGCCCAAGAAGGCGACGGGGG[C>CG]GGCCACCCCCAAGAAGAGCGCCAAGAAGACCCCAAAGAAGGCGAAGAAGCCGGCTGCAGC-3'

ClinVar aggregate classification (germline): Pathogenic. Review status: criteria provided, multiple submitters, no conflicts (2 of 4 stars). 5 submissions from 5 submitters: Pathogenic (4). 1 of the submissions does not count toward it. Last evaluated 2025-04-11.

Conditions:
Rahman syndrome. Also called: HIST1H1E Syndrome. Identifiers: Orphanet 642763, MedGen C4479637, MONDO:0044323, OMIM 617537.

Submissions (5):

Ambry Genetics
Classification: Pathogenic. Last evaluated: 2025-04-11. Review status: criteria provided, single submitter. Criteria: Ambry Variant Classification Scheme 2023. Collection method: clinical testing. Allele origin: germline.
Comment: The c.433dupG (p.A145Gfs*51) alteration, located in exon 1 (coding exon 1) of the H1-4 gene, consists of a duplication of G at position 433, causing a translational frameshift with a predicted alternate stop codon after 51 amino acids. This alteration occurs at the 3' terminus of the H1-4 gene and is not expected to trigger nonsense-mediated mRNA decay. This variant was not reported in population-based cohorts in the Genome Aggregation Database (gnomAD). This variant was determined to be de novo in at least one individual with features consistent with H1-4-related neurodevelopmental disorder (Takenouchi, 2018). This variant is located in a region of the protein where truncating variants that escape nonsense mediated mRNA decay have been reported as disease-causing (Burkardt, 2019). Based on the available evidence, this alteration is classified as pathogenic.

CeGaT Center for Human Genetics Tuebingen
Classification: Pathogenic. Last evaluated: 2024-07-01. Review status: criteria provided, single submitter. Criteria: CeGaT Center For Human Genetics Tuebingen Variant Classification Criteria Version 2. Collection method: clinical testing. Allele origin: germline. Affected: yes. Observed: 1 variant allele.
Comment: H1-4: PS2, PVS1:Strong, PM2, PS4:Supporting

Breda Genetics srl
Classification: Pathogenic for Rahman syndrome. Last evaluated: 2019-03-13. Review status: criteria provided, single submitter. Criteria: ACMG Guidelines, 2015. Collection method: clinical testing. Allele origin: de novo. Inheritance: Autosomal dominant inheritance. Affected: yes. Observed: 1 variant allele, 1 heterozygote.
Comment: The variant c.433dupG (p.Ala145Glyfs*51) in the HIST1H1E gene is reported as pathogenic for Rahman syndrome in ClinVar (Variation ID: 503824). This variant has been reported by Takenouchi et al., 2017 (PMID: 29383847) in a patient born at 36 weeks of gestation (WT=2876 g, L=49 cm, OFC=33.4 cm), showing short stature, developmental delay and distinctive facial features, but with no congenital heart disease. This variant creates a shift in the reading frame which is predicted to result in a premature stop codon 51 amino acids downstream and is likely to result in a truncated protein or protein loss due to nonsense-mediated messenger decay (NMD). This variant has not been reported in dbSNP, gnomAD, 1000 Genomes, or the NHLI Exome Sequencing Project (ESP). At the adjacent amino acid positions, two â€œrecurrentâ€ pathogenic mutations, c.430dup (p.Ala144Glyfs) and c.435dupC (p.Thr146Hisfs*50), have been reported by Tatton-Brown et al., 2017 (PMID: 28475857) and Duffney et al., 2017 (PMID: 29704315), respectively. The former mutation has been identified in a patient with mild intellectual disability, distinctive facial features (full chicks, high hairline and telecanthus); The latter mutation has been identified in a patient with autism, intellectual disability, arachnoid cyst, mild hydrocephalus and delayed motor skills

GeneDx
Classification: Pathogenic. Last evaluated: 2017-11-17. Review status: criteria provided, single submitter. Criteria: GeneDx Variant Classification (06012015). Collection method: clinical testing. Allele origin: germline. Affected: yes.
Comment: The c.433dupG variant in the HIST1H1E gene has not been reported previously as a pathogenic variant nor as a benign variant, to our knowledge. This variant causes a frameshift starting with codon Alanine 145, changes this amino acid to a Glycine residue, and creates a premature Stop codon at position 51 of the new reading frame, denoted p.Ala145GlyfsX51. This variant is predicted to cause loss of normal protein function through protein truncation, as the last 75 amino acids of the protein are replaced by 50 incorrect amino acids. The c.433dupG variant is not observed in large population cohorts (Lek et al., 2016). We interpret c.433dupG as a pathogenic variant.

GeneReviews
No classification provided. Condition: Rahman syndrome. Review status: no classification provided. Collection method: literature only. Allele origin: de novo. Not counted in ClinVar's aggregate classification.

Literature cited by the submitters: PubMed 29383847 (cited by Ambry Genetics and Breda Genetics srl); PubMed 31400068 (cited by Ambry Genetics); PubMed 28475857 (cited by Breda Genetics srl); PubMed 29704315 (cited by Breda Genetics srl); NCBI Bookshelf NBK564966 (cited by GeneReviews); PubMed 33270410 (cited by GeneReviews).